The following is an entry in ClinVar:

ClinVar aggregate classification (germline): Conflicting classifications of pathogenicity. Review status: criteria provided, conflicting classifications (1 of 4 stars). 10 submissions from 10 submitters: Pathogenic (2); Likely pathogenic (4); Uncertain significance (2). 2 of the submissions do not count toward it. Last evaluated 2026-01-08.

Conditions:
ACADM-related disorder. Also called: ACADM-related condition.
Medium-chain acyl-coenzyme A dehydrogenase deficiency (ACADMD). Also called: MCADD; Medium chain acyl-CoA dehydrogenase deficiency; ACADM DEFICIENCY; CARNITINE DEFICIENCY SECONDARY TO MEDIUM-CHAIN ACYL-CoA DEHYDROGENASE DEFICIENCY; MCADH DEFICIENCY; MCAD Deficiency. Identifiers: Orphanet 42, MedGen C0220710, MONDO:0008721, OMIM 201450.

Allele frequency attached by ClinVar (database versions not stated): ExAC 0.00001; gnomAD 0.00001; gnomAD exomes 0.00001 and 0.00002; TOPMed 0.00003.
gnomAD v4.1: 16 of 1,612,820 alleles (0.00099%); highest among the groups gnomAD compares: Admixed American, 0.0033%; no homozygotes.

Submissions (10):

Myriad Genetics, Inc.
Classification: Uncertain significance for Medium-chain acyl-coenzyme A dehydrogenase deficiency. Last evaluated: 2026-01-08. Review status: criteria provided, single submitter. Criteria: Myriad Autosomal Dominant, Autosomal Recessive and X-Linked Classification Criteria (2023). Collection method: clinical testing. Allele origin: unknown.
Comment: NM_000016.4(ACADM):c.503A>C(D168A) is a missense variant classified as a variant of uncertain significance in the context of medium-chain acyl-CoA dehydrogenase deficiency. D168A has been observed in cases with relevant disease (PMID: 21083904, 35281663). Relevant functional assessments of this variant are not available in the literature. D168A has been observed in referenced population frequency databases. In summary, there is insufficient evidence to classify NM_000016.4(ACADM):c.503A>C(D168A) as pathogenic or benign. Please note: this variant was assessed in the context of healthy population screening.

GeneDx
Classification: Likely pathogenic. Last evaluated: 2025-10-18. Review status: criteria provided, single submitter. Criteria: GeneDx Variant Classification Process June 2021. Collection method: clinical testing. Allele origin: germline. Affected: yes.
Comment: Reported previously in infants with a positive newborn screen for medium chain acyl-CoA dehydrogenase (MCAD) deficiency who were also heterozygous for the common p.(K329E) pathogenic variant, although the phase of these variants was not determined (PMID: 21083904, 23543005); Not observed at significant frequency in large population cohorts (gnomAD); In silico analysis supports that this missense variant has a deleterious effect on protein structure/function; This variant is associated with the following publications: (PMID: 35629059, 35281663, 21083904, 23543005)

Labcorp Genetics (formerly Invitae), Labcorp
Classification: Pathogenic for Medium-chain acyl-coenzyme A dehydrogenase deficiency. Last evaluated: 2025-08-18. Review status: criteria provided, single submitter. Criteria: Invitae Variant Classification Sherloc (09022015). Collection method: clinical testing. Allele origin: germline.
Comment: This sequence change replaces aspartic acid, which is acidic and polar, with alanine, which is neutral and non-polar, at codon 168 of the ACADM protein (p.Asp168Ala). This variant is present in population databases (rs745844469, gnomAD 0.002%). This missense change has been observed in individual(s) with clinical features of medium-chain acyl-coenzyme A dehydrogenase deficiency (PMID: 21083904; internal data). In at least one individual the data is consistent with being in trans (on the opposite chromosome) from a pathogenic variant. ClinVar contains an entry for this variant (Variation ID: 226072). Invitae Evidence Modeling of protein sequence and biophysical properties (such as structural, functional, and spatial information, amino acid conservation, physicochemical variation, residue mobility, and thermodynamic stability) indicates that this missense variant is expected to disrupt ACADM protein function with a positive predictive value of 80%. This variant disrupts the p.Asp168 amino acid residue in ACADM. Other variant(s) that disrupt this residue have been determined to be pathogenic (PMID: 23829193; internal data). This suggests that this residue is clinically significant, and that variants that disrupt this residue are likely to be disease-causing. For these reasons, this variant has been classified as Pathogenic.

Blueprint Genetics
Classification: Pathogenic for ACADM-related disorders. Last evaluated: 2024-09-21. Review status: criteria provided, single submitter. Criteria: ACMG Guidelines, 2015. Collection method: clinical testing. Allele origin: germline. Affected: yes. Observed: 5 variant alleles.

Fulgent Genetics
Classification: Likely pathogenic for Medium-chain acyl-coenzyme A dehydrogenase deficiency. Last evaluated: 2024-05-11. Review status: criteria provided, single submitter. Criteria: ACMG Guidelines, 2015. Collection method: clinical testing. Allele origin: germline.

Baylor Genetics
Classification: Likely pathogenic for Medium-chain acyl-coenzyme A dehydrogenase deficiency. Last evaluated: 2024-03-22. Review status: criteria provided, single submitter. Criteria: ACMG Guidelines, 2015. Collection method: clinical testing. Allele origin: unknown.

Revvity Omics, Revvity
Classification: Likely pathogenic for Medium-chain acyl-coenzyme A dehydrogenase deficiency. Last evaluated: 2023-08-21. Review status: criteria provided, single submitter. Criteria: ACMG Guidelines, 2015. Collection method: clinical testing. Allele origin: germline.

ARUP Laboratories, Molecular Genetics and Genomics, ARUP Laboratories
Classification: Uncertain significance for Medium-chain acyl-coenzyme A dehydrogenase deficiency. Last evaluated: 2015-02-20. Review status: criteria provided, single submitter. Criteria: ACMG Guidelines, 2015. Collection method: clinical testing. Allele origin: germline. Inheritance: Autosomal recessive inheritance. Observed: 2 heterozygotes.

PreventionGenetics, part of Exact Sciences
Classification: Likely pathogenic for ACADM-related condition. Last evaluated: 2024-01-10. Review status: no assertion criteria provided. Collection method: clinical testing. Allele origin: germline. Not counted in ClinVar's aggregate classification.
Comment: The ACADM c.503A>C variant is predicted to result in the amino acid substitution p.Asp168Ala. This variant was reported in the compound heterozygous state with the common pathogenic c.985A>G variant in a single medium chain acyl-CoA deficiency (MCADD) patient (Kennedy et al. 2010. PubMed ID: 21083904). Notably, a different substitution of the same amino acid (c.503A>T, p.Asp168Val) in trans (on the opposite allele) with the pathogenic c.985A>G variant has also been identified in one MCADD patient (Ventura et al. 2014. PubMed ID: 23829193). The c.503A>C variant has only been observed in only 4 of ~251,000 alleles (0.0016%), indicating it is a rare variant. Based on these observations, this variant is interpreted as likely pathogenic.

Counsyl
Classification: Uncertain significance for Medium-chain acyl-coenzyme A dehydrogenase deficiency. Last evaluated: 2017-05-02. Review status: no assertion criteria provided. Collection method: clinical testing. Allele origin: unknown. Not counted in ClinVar's aggregate classification.

Literature cited by the submitters: PubMed 21083904 (cited by 3 submitters); PubMed 35281663 (cited by Myriad Genetics, Inc.); PubMed 23829193 (cited by Labcorp Genetics (formerly Invitae), Labcorp).

NM_000016.6(ACADM):c.503A>C (p.Asp168Ala)

Gene: ACADM (acyl-CoA dehydrogenase medium chain; plus strand). Cytogenetic location: 1p31.1.
Variant type: single nucleotide variant.
Coding change: c.503A>C on transcript NM_000016.6 (MANE Select); coding-DNA position 503, A replaced by C.
Protein change: p.Asp168Ala; replaces aspartic acid 168 with alanine.
Molecular consequence: missense variant. On other transcripts: 5 prime UTR variant (1).
Genome position (GRCh38, 1-based): chr1:75,740,014, A>C. VCF-style: chr1-75740014-A-C. GRCh37 (hg19) VCF-style: chr1-76205699-A-C.
Other names: c.515A>C, p.Asp172Ala (NM_001127328.3); c.395A>C, p.Asp132Ala (NM_001286042.2); c.602A>C, p.Asp201Ala (NM_001286043.2); c.-65A>C (NM_001286044.2); short protein forms D168A, D172A, D132A, D201A.
Identifiers: ClinVar variation 226072 (VCV000226072.28), dbSNP rs745844469, ClinGen allele CA913127.